The following is an entry in ClinVar:

ClinVar aggregate classification (germline): Conflicting classifications of pathogenicity. Review status: criteria provided, conflicting classifications (1 of 4 stars). 9 submissions from 9 submitters: Uncertain significance (2); Likely benign (6). 1 of the submissions does not count toward it. Last evaluated 2026-01-13.

Conditions:
Inborn genetic diseases. Identifiers: MedGen C0950123, MeSH D030342.
Smith-Lemli-Opitz syndrome (SLOS). Also called: 7-Dehydrocholesterol reductase deficiency; LETHAL ACRODYSGENITAL SYNDROME; POLYDACTYLY, SEX REVERSAL, RENAL HYPOPLASIA, AND UNILOBAR LUNG; RSH SYNDROME; RUTLEDGE LETHAL MULTIPLE CONGENITAL ANOMALY SYNDROME. Identifiers: Orphanet 818, MedGen C0175694, MONDO:0010035, OMIM 270400.

Allele frequency attached by ClinVar (database versions not stated): ESP Exome Variant Server 0.00008; gnomAD 0.00011; TOPMed 0.00014; gnomAD exomes 0.00018; ExAC 0.00021.
gnomAD v4.1: 479 of 1,613,916 alleles (0.03%); highest among the groups gnomAD compares: Non-Finnish European, 0.037%; 1 homozygote.

Submissions (9):

Labcorp Genetics (formerly Invitae), Labcorp
Classification: Likely benign for Smith-Lemli-Opitz syndrome. Last evaluated: 2026-01-13. Review status: criteria provided, single submitter. Criteria: Invitae Variant Classification Sherloc (09022015). Collection method: clinical testing. Allele origin: germline.

Laboratory of Genetics, Children's Clinical University Hospital Latvia
Classification: Likely benign. Last evaluated: 2025-02-16. Review status: criteria provided, single submitter. Criteria: ACMG Guidelines, 2015. Collection method: clinical testing. Allele origin: germline. Affected: yes.

Women's Health and Genetics/Laboratory Corporation of America, LabCorp
Classification: Likely benign. Last evaluated: 2024-09-17. Review status: criteria provided, single submitter. Criteria: LabCorp Variant Classification Summary - May 2015. Collection method: clinical testing. Allele origin: germline.

CeGaT Center for Human Genetics Tuebingen
Classification: Likely benign. Last evaluated: 2024-08-01. Review status: criteria provided, single submitter. Criteria: CeGaT Center For Human Genetics Tuebingen Variant Classification Criteria Version 2. Collection method: clinical testing. Allele origin: germline. Affected: yes. Observed: 1 variant allele.
Comment: DHCR7: BP4, BP7

Ambry Genetics
Classification: Likely benign for Inborn genetic diseases. Last evaluated: 2022-10-23. Review status: criteria provided, single submitter. Criteria: Ambry Variant Classification Scheme 2023. Collection method: clinical testing. Allele origin: germline.

GeneDx
Classification: Likely benign. Last evaluated: 2021-06-21. Review status: criteria provided, single submitter. Criteria: GeneDx Variant Classification Process June 2021. Collection method: clinical testing. Allele origin: germline. Affected: yes.

ARUP Laboratories, Molecular Genetics and Genomics, ARUP Laboratories
Classification: Uncertain significance for Smith-Lemli-Opitz syndrome. Last evaluated: 2018-08-16. Review status: criteria provided, single submitter. Criteria: ARUP Molecular Germline Variant Investigation Process. Collection method: clinical testing. Allele origin: germline.
Comment: The DHRC7 c.765C>T; p.Phe255Phe variant (rs200132007), to our knowledge, is not reported in the medical literature or gene specific databases. This variant is found in the non-Finnish European population with an overall allele frequency of 0.03% (41/126634 alleles) in the Genome Aggregation Database. This is a synonymous variant in a weakly conserved nucleotide, but computational analyses (Alamut v.2.11) predict that this variant may impact splicing by strengthening a cryptic splice acceptor site. If splicing occurs at this cryptic site, it would be predicted to remove 143 nucleotides and cause a frameshift; however, mRNA studies would be required to confirm this. Due to limited information, the clinical significance of the p.Phe255Phe variant is uncertain at this time.

Illumina Laboratory Services, Illumina
Classification: Uncertain significance for Smith-Lemli-Opitz syndrome. Last evaluated: 2017-04-27. Review status: criteria provided, single submitter. Criteria: ICSL Variant Classification Criteria 13 December 2019. Collection method: clinical testing. Allele origin: germline.

Natera, Inc.
Classification: Uncertain significance for Smith-Lemli-Opitz syndrome. Last evaluated: 2018-06-23. Review status: no assertion criteria provided. Collection method: clinical testing. Allele origin: germline. Not counted in ClinVar's aggregate classification.

NM_001360.3(DHCR7):c.765C>T (p.Phe255=)

Gene: DHCR7 (7-dehydrocholesterol reductase; minus strand). Cytogenetic location: 11q13.4.
Variant type: single nucleotide variant.
Coding change: c.765C>T on transcript NM_001360.3 (MANE Select); coding-DNA position 765, C replaced by T.
Protein change: p.Phe255=; no amino-acid change (phenylalanine 255 retained).
Molecular consequence: synonymous variant.
Genome position (GRCh38, 1-based): chr11:71,438,945, G>A on the plus strand (C>T on the coding strand, the complement: DHCR7 is on the minus strand). VCF-style: chr11-71438945-G-A. GRCh37 (hg19) VCF-style: chr11-71149991-G-A.
Other names: c.765C>T, p.Phe255= (NM_001163817.2).
Identifiers: ClinVar variation 702010 (VCV000702010.44), dbSNP rs200132007, ClinGen allele CA6162468.
Genomic context (GRCh38, chr11:71,438,945, plus strand): 5'-GACGTTGACCAGGACCATGGCATTGGTCACATGGCTGTGGAGCTCCCGCTGCTTCGCTGC[G>A]AAGGACAGGTTGATGAGGGTCCAGGCGACGATCCCGGGGCGCCCATTGAAGAACAGCTTG-3'
Protein context (NP_001351.2, residues 245-265): IVAWTLINLS[Phe255=]AAKQRELHSH